The following is an entry in ClinVar:

ClinVar aggregate classification (germline): Uncertain significance (1 of 4 stars; one submission).

Allele frequency attached by ClinVar (database versions not stated): gnomAD 0.00001; ExAC 0.00001; TOPMed 0.00002; 1000 Genomes Project 30x 0.00016; 1000 Genomes Project 0.00020.
gnomAD v4.1: 2 of 1,607,536 alleles (0.00012%); highest among the groups gnomAD compares: Admixed American, 0.0017%; no homozygotes.

Submission:

Labcorp Genetics (formerly Invitae), Labcorp
Classification: Uncertain significance. Last evaluated: 2026-01-26. Review status: criteria provided, single submitter. Criteria: Invitae Variant Classification Sherloc (09022015). Collection method: clinical testing. Allele origin: germline.
Comment: This sequence change falls in intron 24 of the ANKRD26 gene. It does not directly change the encoded amino acid sequence of the ANKRD26 protein. It affects a nucleotide within the consensus splice site. This variant is present in population databases (rs576007051, gnomAD 0.003%). This variant has not been reported in the literature in individuals affected with ANKRD26-related conditions. ClinVar contains an entry for this variant (Variation ID: 2892623). Variants that disrupt the consensus splice site are a relatively common cause of aberrant splicing (PMID: 17576681, 9536098). Algorithms developed to predict the effect of sequence changes on RNA splicing suggest that this variant is not likely to affect RNA splicing. In summary, the available evidence is currently insufficient to determine the role of this variant in disease. Therefore, it has been classified as a Variant of Uncertain Significance.

Literature cited by the submitters: PubMed 17576681; PubMed 9536098.

NM_014915.3(ANKRD26):c.3655-3C>T

Gene: ANKRD26 (ankyrin repeat domain 26; minus strand). Cytogenetic location: 10p12.1.
Variant type: single nucleotide variant.
Coding change: c.3655-3C>T on transcript NM_014915.3 (MANE Select); 3 bases into the intron before coding-DNA position 3655, C replaced by T.
Molecular consequence: intron variant.
Genome position (GRCh38, 1-based): chr10:27,033,380, G>A on the plus strand (C>T on the coding strand, the complement: ANKRD26 is on the minus strand). VCF-style: chr10-27033380-G-A. GRCh37 (hg19) VCF-style: chr10-27322309-G-A.
Other names: c.3652-3C>T (NM_001256053.2).
Identifiers: ClinVar variation 2892623 (VCV002892623.3), dbSNP rs576007051, ClinGen allele CA5447991.
Genomic context (GRCh38, chr10:27,033,380, plus strand): 5'-ACATAGATTGTTTTTTTAGGGTATCAGCTAGTTCTTGTTGAAGTTGTCTCACAACAACCT[G>A]ATAAGACATTTTGTTACTGATTTTATAAATCACCTTATTATTAAGTTATGTTAAAAAATA-3'